The following is an entry in ClinVar:

NM_004839.4(HOMER2):c.883C>T (p.Arg295Cys)

Gene: HOMER2 (homer scaffold protein 2; minus strand). Cytogenetic location: 15q25.2.
Variant type: single nucleotide variant.
Coding change: c.883C>T on transcript NM_004839.4 (MANE Select); coding-DNA position 883, C replaced by T.
Protein change: p.Arg295Cys; replaces arginine 295 with cysteine.
Molecular consequence: missense variant.
Genome position (GRCh38, 1-based): chr15:82,849,864, G>A on the plus strand (C>T on the coding strand, the complement: HOMER2 is on the minus strand). VCF-style: chr15-82849864-G-A. GRCh37 (hg19) VCF-style: chr15-83518616-G-A.
Other names: c.916C>T, p.Arg306Cys (NM_199330.3); short protein forms R306C, R295C.
Identifiers: ClinVar variation 4714917 (VCV004714917.1).

ClinVar aggregate classification (germline): Uncertain significance (1 of 4 stars; one submission).

Submission:

Labcorp Genetics (formerly Invitae), Labcorp
Classification: Uncertain significance. Last evaluated: 2025-03-19. Review status: criteria provided, single submitter. Criteria: Invitae Variant Classification Sherloc (09022015). Collection method: clinical testing. Allele origin: germline.
Comment: This sequence change replaces arginine, which is basic and polar, with cysteine, which is neutral and slightly polar, at codon 295 of the HOMER2 protein (p.Arg295Cys). This variant is present in population databases (rs529437974, gnomAD 0.02%). This variant has not been reported in the literature in individuals affected with HOMER2-related conditions. An algorithm developed to predict the effect of missense changes on protein structure and function (PolyPhen-2) suggests that this variant is likely to be tolerated. In summary, the available evidence is currently insufficient to determine the role of this variant in disease. Therefore, it has been classified as a Variant of Uncertain Significance.